The following is an entry in ClinVar:

NM_002578.5(PAK3):c.312T>C (p.Thr104=)

Gene: PAK3 (p21 (RAC1) activated kinase 3; plus strand). Cytogenetic location: Xq23.
Variant type: single nucleotide variant.
Coding change: c.312T>C on transcript NM_002578.5 (MANE Select); coding-DNA position 312, T replaced by C.
Protein change: p.Thr104=; no amino-acid change (threonine 104 retained).
Molecular consequence: synonymous variant. On other transcripts: non-coding transcript variant (2).
Genome position (GRCh38, 1-based): chrX:111,147,772, T>C. VCF-style: chrX-111147772-T-C. GRCh37 (hg19) VCF-style: chrX-110391000-T-C.
Other names: c.312T>C, p.Thr104= (NM_001128166.3, NM_001128167.3, NM_001324325.2 and 5 more transcripts); c.420T>C, p.Thr140= (NM_001128168.3); c.375T>C, p.Thr125= (NM_001128172.2); c.357T>C, p.Thr119= (NM_001128173.3, NM_001324327.2, NM_001324328.2 and 2 more transcripts).
Identifiers: ClinVar variation 2661199 (VCV002661199.24), dbSNP rs999367591, ClinGen allele CA334400743.

ClinVar aggregate classification (germline): Likely benign (1 of 4 stars; one submission).

Allele frequency attached by ClinVar (database versions not stated): gnomAD 0.00001; gnomAD exomes 0.00001.
gnomAD v4.1: 11 of 1,205,532 alleles (0.00091%); highest among the groups gnomAD compares: Non-Finnish European, 0.001%; no homozygotes.

Submission:

CeGaT Center for Human Genetics Tuebingen
Classification: Likely benign. Last evaluated: 2023-03-01. Review status: criteria provided, single submitter. Criteria: CeGaT Center For Human Genetics Tuebingen Variant Classification Criteria Version 2. Collection method: clinical testing. Allele origin: germline. Affected: yes. Observed: 1 variant allele.
Comment: PAK3: BP4, BP7